The following is an entry in ClinVar:

NM_000350.3(ABCA4):c.5648T>C (p.Val1883Ala)

Gene: ABCA4 (ATP binding cassette subfamily A member 4; minus strand). Cytogenetic location: 1p22.1.
Variant type: single nucleotide variant.
Coding change: c.5648T>C on transcript NM_000350.3 (MANE Select); coding-DNA position 5648, T replaced by C.
Protein change: p.Val1883Ala; replaces valine 1883 with alanine.
Molecular consequence: missense variant.
Genome position (GRCh38, 1-based): chr1:94,010,866, A>G on the plus strand (T>C on the coding strand, the complement: ABCA4 is on the minus strand). VCF-style: chr1-94010866-A-G. GRCh37 (hg19) VCF-style: chr1-94476422-A-G.
Other names: c.5648T>C (NM_000350.2); c.5426T>C, p.Val1809Ala (NM_001425324.1); short protein forms V1883A, V1809A.
Identifiers: ClinVar variation 1371363 (VCV001371363.7), dbSNP rs1659524799, ClinGen allele CA341280824.

ClinVar aggregate classification (germline): Conflicting classifications of pathogenicity. Review status: criteria provided, conflicting classifications (1 of 4 stars). 2 submissions from 2 submitters: Uncertain significance (1); Likely benign (1). Last evaluated 2025-06-06.

Conditions:
Inborn genetic diseases. Identifiers: MedGen C0950123, MeSH D030342.

Allele frequency attached by ClinVar (database versions not stated): TOPMed below 0.00001; gnomAD 0.00001.
gnomAD v4.1: 2 of 1,614,028 alleles (0.00012%); highest among the groups gnomAD compares: Admixed American, 0.0017%; no homozygotes.

Submissions (2):

Ambry Genetics
Classification: Likely benign for Inborn genetic diseases. Last evaluated: 2025-06-06. Review status: criteria provided, single submitter. Criteria: Ambry Variant Classification Scheme 2023. Collection method: clinical testing. Allele origin: germline.

Labcorp Genetics (formerly Invitae), Labcorp
Classification: Uncertain significance. Last evaluated: 2022-09-27. Review status: criteria provided, single submitter. Criteria: Invitae Variant Classification Sherloc (09022015). Collection method: clinical testing. Allele origin: germline.
Comment: In summary, the available evidence is currently insufficient to determine the role of this variant in disease. Therefore, it has been classified as a Variant of Uncertain Significance. Advanced modeling of protein sequence and biophysical properties (such as structural, functional, and spatial information, amino acid conservation, physicochemical variation, residue mobility, and thermodynamic stability) performed at Invitae indicates that this missense variant is not expected to disrupt ABCA4 protein function. ClinVar contains an entry for this variant (Variation ID: 1371363). This variant has not been reported in the literature in individuals affected with ABCA4-related conditions. This variant is not present in population databases (gnomAD no frequency). This sequence change replaces valine, which is neutral and non-polar, with alanine, which is neutral and non-polar, at codon 1883 of the ABCA4 protein (p.Val1883Ala).